The following is an entry in ClinVar:

ClinVar aggregate classification (germline): Uncertain significance. Review status: criteria provided, multiple submitters, no conflicts (2 of 4 stars). 2 submissions from 2 submitters: Uncertain significance (2). Last evaluated 2025-09-22.

Conditions:
Inborn genetic diseases. Identifiers: MedGen C0950123, MeSH D030342.

Submissions (2):

Ambry Genetics
Classification: Uncertain significance for Inborn genetic diseases. Last evaluated: 2025-09-22. Review status: criteria provided, single submitter. Criteria: Ambry Variant Classification Scheme 2023. Collection method: clinical testing. Allele origin: germline.

GeneDx
Classification: Uncertain significance. Last evaluated: 2019-02-15. Review status: criteria provided, single submitter. Criteria: GeneDx Variant Classification Process June 2021. Collection method: clinical testing. Allele origin: germline. Affected: yes.
Comment: Not observed in large population cohorts (Lek et al., 2016); In silico analysis, which includes protein predictors and evolutionary conservation, supports a deleterious effect; Has not been previously published as pathogenic or benign to our knowledge

NM_001005273.3(CHD3):c.4142G>T (p.Arg1381Leu)

Gene: CHD3 (chromodomain helicase DNA binding protein 3; plus strand). Cytogenetic location: 17p13.1.
Variant type: single nucleotide variant.
Coding change: c.4142G>T on transcript NM_001005273.3 (MANE Select); coding-DNA position 4142, G replaced by T.
Protein change: p.Arg1381Leu; replaces arginine 1381 with leucine.
Molecular consequence: missense variant.
Genome position (GRCh38, 1-based): chr17:7,905,624, G>T. VCF-style: chr17-7905624-G-T. GRCh37 (hg19) VCF-style: chr17-7808942-G-T.
Other names: c.4319G>T, p.Arg1440Leu (NM_001005271.3); c.4142G>T, p.Arg1381Leu (NM_005852.4); short protein forms R1381L, R1440L.
Identifiers: ClinVar variation 1305902 (VCV001305902.3), dbSNP rs1165994865, ClinGen allele CA397945033.